The following is an entry in ClinVar:

NM_001267550.2(TTN):c.81802del (p.Asp27268fs)

Genes: TTN (titin; minus strand), TTN-AS1 (TTN antisense RNA 1; plus strand). Cytogenetic location: 2q31.2.
Variant type: Deletion.
Coding change: c.81802del on transcript NM_001267550.2 (MANE Select); coding-DNA position 81802, one base deleted (G; older notation c.81802delG).
Protein change: p.Asp27268fs; shifts the reading frame from aspartic acid 27268.
Molecular consequence: frameshift variant.
Genome position (GRCh38, 1-based): chr2:178,564,330, C deleted on the plus strand (G on the coding strand, the reverse complement: TTN is on the minus strand). VCF-style (leftmost placement, unchanged base first): chr2-178564329-TC-T. GRCh37 (hg19) VCF-style: chr2-179429056-TC-T.
Other names: c.76879del, p.Asp25627fs (NM_001256850.1); c.54607del, p.Asp18203fs (NM_003319.4); c.74098del, p.Asp24700fs (NM_133378.4); c.54982del, p.Asp18328fs (NM_133432.3); c.55183del, p.Asp18395fs (NM_133437.4); short protein forms D25627fs, D27268fs, D18328fs, D18395fs, D24700fs, D18203fs.
Identifiers: ClinVar variation 1476311 (VCV001476311.6), dbSNP rs2154162514, ClinGen allele CA2573134128.

ClinVar aggregate classification (germline): Likely pathogenic (1 of 4 stars; one submission).

Conditions:
Dilated cardiomyopathy 1G (CMD1G). Identifiers: Orphanet 154, MedGen C1858763, MONDO:0011400, OMIM 604145.
Autosomal recessive limb-girdle muscular dystrophy type 2J (LGMDR10). Also called: MUSCULAR DYSTROPHY, LIMB-GIRDLE, AUTOSOMAL RECESSIVE 10; Limb-girdle muscular dystrophy, type 2J. Identifiers: Orphanet 140922, MedGen C1837342, MONDO:0012127, OMIM 608807.

Submission:

Labcorp Genetics (formerly Invitae), Labcorp
Classification: Likely pathogenic for Dilated cardiomyopathy 1G; Autosomal recessive limb-girdle muscular dystrophy type 2J. Last evaluated: 2021-10-07. Review status: criteria provided, single submitter. Criteria: Invitae Variant Classification Sherloc (09022015). Collection method: clinical testing. Allele origin: germline.
Comment: This variant is located in the A band of TTN (PMID: 25589632). Truncating variants in this region are significantly overrepresented in patients affected with dilated cardiomyopathy (PMID: 25589632). Truncating variants in this region have also been reported in individuals affected with autosomal recessive centronuclear myopathy (PMID: 23975875). This sequence change creates a premature translational stop signal (p.Asp27268Metfs*82) in the TTN gene. While this is not anticipated to result in nonsense mediated decay, it is expected to create a truncated TTN protein. In summary, the currently available evidence indicates that the variant is pathogenic, but additional data are needed to prove that conclusively. Therefore, this variant has been classified as Likely Pathogenic. This variant has not been reported in the literature in individuals affected with TTN-related conditions. This variant is not present in population databases (ExAC no frequency).

Literature cited by the submitters: PubMed 25589632; PubMed 23975875.